The following is an entry in ClinVar:

ClinVar aggregate classification (germline): Uncertain significance (1 of 4 stars; one submission).

Submission:

Labcorp Genetics (formerly Invitae), Labcorp
Classification: Uncertain significance. Last evaluated: 2021-07-13. Review status: criteria provided, single submitter. Criteria: Invitae Variant Classification Sherloc (09022015). Collection method: clinical testing. Allele origin: germline.
Comment: This variant, c.396_440del, results in the deletion of 15 amino acid(s) of the RUSC2 protein (p.His132_Phe146del), but otherwise preserves the integrity of the reading frame. This variant is not present in population databases (ExAC no frequency). This variant has not been reported in the literature in individuals affected with RUSC2-related conditions. Experimental studies and prediction algorithms are not available or were not evaluated, and the functional significance of this variant is currently unknown. In summary, the available evidence is currently insufficient to determine the role of this variant in disease. Therefore, it has been classified as a Variant of Uncertain Significance.

NM_014806.5(RUSC2):c.396_440del (p.His132_Phe146del)

Gene: RUSC2 (RUN and SH3 domain containing 2; plus strand). Cytogenetic location: 9p13.3.
Variant type: Deletion.
Coding change: c.396_440del on transcript NM_014806.5 (MANE Select); coding-DNA positions 396 to 440, 45 bases deleted.
Protein change: p.His132_Phe146del.
Molecular consequence: inframe deletion. On other transcripts: non-coding transcript variant (1), intron variant (1).
Genome position (GRCh38, 1-based): chr9:35,546,917-35,546,961, 45 bases deleted; deleting any 45 consecutive bases within chr9:35,546,912-35,546,961 gives the same sequence; the c. name uses the placement nearest the transcript's 3' end. GRCh37 (hg19): chr9:35,546,914-35,546,958.
Other names: c.396_440del, p.His132_Phe146del (NM_001135999.2); c.-620-8143_-620-8099del (NM_001330740.2).
Identifiers: ClinVar variation 1405297 (VCV001405297.9), dbSNP rs2132551581, ClinGen allele CA2573144605.